The following is an entry in ClinVar:

ClinVar aggregate classification (germline): Uncertain significance (1 of 4 stars; one submission).

Conditions:
Autosomal dominant centronuclear myopathy. Also called: MYOTUBULAR MYOPATHY, AUTOSOMAL DOMINANT; Myopathy, centronuclear, 3. Identifiers: Orphanet 169189, MedGen C4551952, MeSH D020914, MONDO:0008048, OMIM 160150.

Allele frequency attached by ClinVar (database versions not stated): gnomAD exomes below 0.00001.

Submission:

Labcorp Genetics (formerly Invitae), Labcorp
Classification: Uncertain significance for Autosomal dominant centronuclear myopathy. Last evaluated: 2019-09-13. Review status: criteria provided, single submitter. Criteria: Invitae Variant Classification Sherloc (09022015). Collection method: clinical testing. Allele origin: germline.
Comment: This sequence change replaces arginine with glycine at codon 231 of the MYF6 protein (p.Arg231Gly). The arginine residue is moderately conserved and there is a moderate physicochemical difference between arginine and glycine. This variant is not present in population databases (ExAC no frequency). This variant has not been reported in the literature in individuals with MYF6-related conditions. Algorithms developed to predict the effect of missense changes on protein structure and function (SIFT, PolyPhen-2, Align-GVGD) all suggest that this variant is likely to be tolerated, but these predictions have not been confirmed by published functional studies and their clinical significance is uncertain. In summary, the available evidence is currently insufficient to determine the role of this variant in disease. Therefore, it has been classified as a Variant of Uncertain Significance.

NM_002469.3(MYF6):c.691C>G (p.Arg231Gly)

Gene: MYF6 (myogenic factor 6; plus strand). Cytogenetic location: 12q21.31.
Variant type: single nucleotide variant.
Coding change: c.691C>G on transcript NM_002469.3 (MANE Select); coding-DNA position 691, C replaced by G.
Protein change: p.Arg231Gly; replaces arginine 231 with glycine.
Molecular consequence: missense variant.
Genome position (GRCh38, 1-based): chr12:80,708,922, C>G. VCF-style: chr12-80708922-C-G. GRCh37 (hg19) VCF-style: chr12-81102701-C-G.
Other names: short protein forms R231G.
Identifiers: ClinVar variation 939601 (VCV000939601.11), dbSNP rs1408693660, ClinGen allele CA385864855.